The following is an entry in ClinVar:

ClinVar aggregate classification (germline): Uncertain significance (1 of 4 stars; one submission).

Allele frequency attached by ClinVar (database versions not stated): TOPMed below 0.00001; gnomAD 0.00001.
gnomAD v4.1: 6 of 1,610,038 alleles (0.00037%); highest among the groups gnomAD compares: African/African-American, 0.0027%; no homozygotes.

Submission:

Ambry Genetics
Classification: Uncertain significance. Last evaluated: 2024-09-15. Review status: criteria provided, single submitter. Criteria: Ambry Variant Classification Scheme 2023. Collection method: clinical testing. Allele origin: germline.
Comment: The p.R396H variant (also known as c.1187G>A), located in coding exon 8 of the POLQ gene, results from a G to A substitution at nucleotide position 1187. The arginine at codon 396 is replaced by histidine, an amino acid with highly similar properties. This amino acid position is conserved. In addition, this alteration is predicted to be tolerated by in silico analysis. Since supporting evidence is limited at this time, the clinical significance of this alteration remains unclear.

NM_199420.4(POLQ):c.1187G>A (p.Arg396His)

Gene: POLQ (DNA polymerase theta; minus strand). Cytogenetic location: 3q13.33.
Variant type: single nucleotide variant.
Coding change: c.1187G>A on transcript NM_199420.4 (MANE Select); coding-DNA position 1187, G replaced by A.
Protein change: p.Arg396His; replaces arginine 396 with histidine.
Molecular consequence: missense variant.
Genome position (GRCh38, 1-based): chr3:121,522,071, C>T on the plus strand (G>A on the coding strand, the complement: POLQ is on the minus strand). VCF-style: chr3-121522071-C-T. GRCh37 (hg19) VCF-style: chr3-121240918-C-T.
Other names: short protein forms R396H.
Identifiers: ClinVar variation 1743789 (VCV001743789.3), dbSNP rs768741276, ClinGen allele CA81856717.